The following is an entry in ClinVar:

ClinVar aggregate classification (germline): Uncertain significance (1 of 4 stars; one submission).

Submission:

GeneDx
Classification: Uncertain significance. Last evaluated: 2024-12-12. Review status: criteria provided, single submitter. Criteria: GeneDx Variant Classification Process June 2021. Collection method: clinical testing. Allele origin: germline. Affected: yes.
Comment: Not observed at significant frequency in large population cohorts (gnomAD); In silico analysis supports that this missense variant has a deleterious effect on protein structure/function; Has not been previously published as pathogenic or benign to our knowledge

NM_000054.7(AVPR2):c.254A>G (p.Asp85Gly)

Gene: AVPR2 (arginine vasopressin receptor 2; plus strand). Cytogenetic location: Xq28.
Variant type: single nucleotide variant.
Coding change: c.254A>G on transcript NM_000054.7 (MANE Select); coding-DNA position 254, A replaced by G.
Protein change: p.Asp85Gly; replaces aspartic acid 85 with glycine.
Molecular consequence: missense variant.
Genome position (GRCh38, 1-based): chrX:153,905,760, A>G. VCF-style: chrX-153905760-A-G. GRCh37 (hg19) VCF-style: chrX-153171214-A-G.
Other names: c.254A>G, p.Asp85Gly (NM_001146151.3); short protein forms D85G.
Identifiers: ClinVar variation 3903425 (VCV003903425.1).